The following is an entry in ClinVar:

NM_001367561.1(DOCK7):c.3641A>G (p.Asn1214Ser)

Gene: DOCK7 (dedicator of cytokinesis 7; minus strand). Cytogenetic location: 1p31.3.
Variant type: single nucleotide variant.
Coding change: c.3641A>G on transcript NM_001367561.1 (MANE Select); coding-DNA position 3641, A replaced by G.
Protein change: p.Asn1214Ser; replaces asparagine 1214 with serine.
Molecular consequence: missense variant.
Genome position (GRCh38, 1-based): chr1:62,529,417, T>C on the plus strand (A>G on the coding strand, the complement: DOCK7 is on the minus strand). VCF-style: chr1-62529417-T-C. GRCh37 (hg19) VCF-style: chr1-62995088-T-C.
Other names: c.3548A>G (NM_033407.2); c.3641A>G, p.Asn1214Ser (NM_001271999.2, NM_001330614.2); c.3548A>G, p.Asn1183Ser (NM_001272000.2, NM_001272001.2, NM_033407.4); short protein forms N1214S, N1183S.
Identifiers: ClinVar variation 949449 (VCV000949449.8), dbSNP rs372600148, ClinGen allele CA885926.

ClinVar aggregate classification (germline): Uncertain significance. Review status: criteria provided, multiple submitters, no conflicts (2 of 4 stars). 4 submissions from 4 submitters: Uncertain significance (4). Last evaluated 2024-11-06.

Conditions:
Inborn genetic diseases. Identifiers: MedGen C0950123, MeSH D030342.
Developmental and epileptic encephalopathy, 23 (DEE23). Also called: Epileptic encephalopathy, early infantile, 23. Identifiers: Orphanet 411986, MedGen C4014492, MONDO:0014371, OMIM 615859.

Allele frequency attached by ClinVar (database versions not stated): ExAC 0.00011; gnomAD exomes 0.00012; ESP Exome Variant Server 0.00015; gnomAD 0.00018 and 0.00021; TOPMed 0.00019; 1000 Genomes Project 0.00020; 1000 Genomes Project 30x 0.00031.
gnomAD v4.1: 126 of 1,611,440 alleles (0.0078%); highest among the groups gnomAD compares: South Asian, 0.066%; no homozygotes.

Submissions (4):

Blueprint Genetics
Classification: Uncertain significance. Last evaluated: 2024-11-06. Review status: criteria provided, single submitter. Criteria: ACMG Guidelines, 2015. Collection method: clinical testing. Allele origin: germline.

Genome-Nilou Lab
Classification: Uncertain significance for Developmental and epileptic encephalopathy, 23. Last evaluated: 2023-04-11. Review status: criteria provided, single submitter. Criteria: ACMG Guidelines, 2015. Collection method: clinical testing. Allele origin: germline. Affected: no.

Labcorp Genetics (formerly Invitae), Labcorp
Classification: Uncertain significance for Developmental and epileptic encephalopathy, 23. Last evaluated: 2022-08-09. Review status: criteria provided, single submitter. Criteria: Invitae Variant Classification Sherloc (09022015). Collection method: clinical testing. Allele origin: germline.
Comment: This sequence change replaces asparagine, which is neutral and polar, with serine, which is neutral and polar, at codon 1214 of the DOCK7 protein (p.Asn1214Ser). This variant is present in population databases (rs372600148, gnomAD 0.08%). This variant has not been reported in the literature in individuals affected with DOCK7-related conditions. ClinVar contains an entry for this variant (Variation ID: 949449). Algorithms developed to predict the effect of missense changes on protein structure and function (SIFT, PolyPhen-2, Align-GVGD) all suggest that this variant is likely to be tolerated. Algorithms developed to predict the effect of sequence changes on RNA splicing suggest that this variant may create or strengthen a splice site. In summary, the available evidence is currently insufficient to determine the role of this variant in disease. Therefore, it has been classified as a Variant of Uncertain Significance.

Ambry Genetics
Classification: Uncertain significance for Inborn genetic diseases. Last evaluated: 2021-09-27. Review status: criteria provided, single submitter. Criteria: Ambry Variant Classification Scheme 2023. Collection method: clinical testing. Allele origin: germline.